The following is an entry in ClinVar:

ClinVar aggregate classification (germline): Uncertain significance (1 of 4 stars; one submission).

Conditions:
Hereditary cancer-predisposing syndrome. Also called: Tumor predisposition; Hereditary neoplastic syndrome; Hereditary Cancer Syndrome; Neoplastic Syndromes, Hereditary. Identifiers: Orphanet 140162, MedGen C0027672, MeSH D009386, MONDO:0015356.

Submission:

Ambry Genetics
Classification: Uncertain significance for Hereditary cancer-predisposing syndrome. Last evaluated: 2025-04-19. Review status: criteria provided, single submitter. Criteria: Ambry Variant Classification Scheme 2023. Collection method: clinical testing. Allele origin: germline.
Comment: The p.I338V variant (also known as c.1012A>G), located in coding exon 10 of the TSC2 gene, results from an A to G substitution at nucleotide position 1012. The isoleucine at codon 338 is replaced by valine, an amino acid with highly similar properties. This amino acid position is conserved. In addition, this alteration is predicted to be tolerated by in silico analysis. Based on the available evidence, the clinical significance of this variant remains unclear.

NM_000548.5(TSC2):c.1012A>G (p.Ile338Val)

Gene: TSC2 (TSC complex subunit 2; plus strand). Cytogenetic location: 16p13.3.
Variant type: single nucleotide variant.
Coding change: c.1012A>G on transcript NM_000548.5 (MANE Select); coding-DNA position 1012, A replaced by G.
Protein change: p.Ile338Val; replaces isoleucine 338 with valine.
Molecular consequence: missense variant. On other transcripts: 5 prime UTR variant (10), non-coding transcript variant (5).
Genome position (GRCh38, 1-based): chr16:2,060,706, A>G. VCF-style: chr16-2060706-A-G. GRCh37 (hg19) VCF-style: chr16-2110707-A-G.
Other names: c.1012A>G, p.Ile338Val (NM_001077183.3, NM_001114382.3, NM_001363528.2 and 6 more transcripts); c.901A>G, p.Ile301Val (NM_001318827.2, NM_001406670.1, NM_001406678.1); c.865A>G, p.Ile289Val (NM_001318829.2, NM_001406675.1, NM_001406676.1 and 1 more transcripts); c.412A>G, p.Ile138Val (NM_001318831.2, NM_001406680.1, NM_001406682.1 and 6 more transcripts); c.1045A>G, p.Ile349Val (NM_001318832.2); c.550A>G, p.Ile184Val (NM_001406681.1); c.-420A>G (NM_001406689.1, NM_001406690.1, NM_001406691.1 and 4 more transcripts); c.-301A>G (NM_001406694.1, NM_001406695.1); and 4 more; short protein forms I289V, I301V, I334V, I368V, I138V, I184V, I319V, I338V.
Identifiers: ClinVar variation 3974666 (VCV003974666.1).